The following is an entry in ClinVar:

ClinVar aggregate classification (germline): Likely benign (1 of 4 stars; one submission).

Submission:

CeGaT Center for Human Genetics Tuebingen
Classification: Likely benign. Last evaluated: 2022-07-01. Review status: criteria provided, single submitter. Criteria: CeGaT Center For Human Genetics Tuebingen Variant Classification Criteria Version 2. Collection method: clinical testing. Allele origin: germline. Affected: yes. Observed: 1 variant allele.
Comment: ABCC2: PM2:Supporting, BP4, BP7

NM_000392.5(ABCC2):c.201T>G (p.Ala67=)

Genes: ABCC2 (ATP binding cassette subfamily C member 2; plus strand), LOC108281165 (MED14-independent group 3 enhancer GRCh37_chr10:101544125-101545324; plus strand). Cytogenetic location: 10q24.2.
Variant type: single nucleotide variant.
Coding change: c.201T>G on transcript NM_000392.5 (MANE Select); coding-DNA position 201, T replaced by G.
Protein change: p.Ala67=; no amino-acid change (alanine 67 retained).
Molecular consequence: synonymous variant.
Genome position (GRCh38, 1-based): chr10:99,784,775, T>G. VCF-style: chr10-99784775-T-G. GRCh37 (hg19) VCF-style: chr10-101544532-T-G.
Identifiers: ClinVar variation 2640750 (VCV002640750.24), dbSNP rs2037677384, ClinGen allele CA471132001.
Genomic context (GRCh38, chr10:99,784,775, plus strand): 5'-GCTTCTCCACGTGTATAAATCCAGGACCAAGAGATCCTCTACCACCAAACTCTATCTTGC[T>G]AAGCAGGTAAAGTTAACACCACTGTTTCTGAACTCTAATTCCTTGGTGCACAGTAGAGAC-3'
Protein context (NP_000383.2, residues 57-77): KRSSTTKLYL[Ala67=]KQVFVGFLLI